The following is an entry in ClinVar:

ClinVar aggregate classification (germline): Likely pathogenic (1 of 4 stars; one submission).

Submission:

Labcorp Genetics (formerly Invitae), Labcorp
Classification: Likely pathogenic. Last evaluated: 2023-01-20. Review status: criteria provided, single submitter. Criteria: Invitae Variant Classification Sherloc (09022015). Collection method: clinical testing. Allele origin: germline.
Comment: This sequence change affects a donor splice site in intron 55 of the VPS13A gene. It is expected to disrupt RNA splicing. Variants that disrupt the donor or acceptor splice site typically lead to a loss of protein function (PMID: 16199547), and loss-of-function variants in VPS13A are known to be pathogenic (PMID: 12404112, 21598378). This variant is not present in population databases (gnomAD no frequency). This variant has not been reported in the literature in individuals affected with VPS13A-related conditions. Algorithms developed to predict the effect of sequence changes on RNA splicing suggest that this variant may disrupt the consensus splice site. In summary, the currently available evidence indicates that the variant is pathogenic, but additional data are needed to prove that conclusively. Therefore, this variant has been classified as Likely Pathogenic.

Literature cited by the submitters: PubMed 16199547; PubMed 12404112; PubMed 21598378.

NM_033305.3(VPS13A):c.7806+1G>A

Gene: VPS13A (vacuolar protein sorting 13 homolog A; plus strand). Cytogenetic location: 9q21.2.
Variant type: single nucleotide variant.
Coding change: c.7806+1G>A on transcript NM_033305.3 (MANE Select); the canonical splice donor site of the intron after coding-DNA position 7806, G replaced by A.
Molecular consequence: splice donor variant.
Genome position (GRCh38, 1-based): chr9:77,356,868, G>A. VCF-style: chr9-77356868-G-A. GRCh37 (hg19) VCF-style: chr9-79971784-G-A.
Other names: c.7689+1G>A (NM_001018037.2); c.7806+1G>A (NM_015186.4, NM_001018038.3).
Identifiers: ClinVar variation 2830356 (VCV002830356.3), dbSNP rs2538144707, ClinGen allele CA373858288.